The following is an entry in ClinVar:

ClinVar aggregate classification (germline): Benign/Likely benign. Review status: criteria provided, multiple submitters, no conflicts (2 of 4 stars). 6 submissions from 6 submitters: Benign (1); Likely benign (5). Last evaluated 2025-12-31.

Conditions:
Wolfram syndrome 1 (WFS1). Identifiers: Orphanet 3463, MedGen C4551693, MONDO:0009101, OMIM 222300.

Allele frequency attached by ClinVar (database versions not stated): TOPMed 0.00012; gnomAD 0.00016.

Submissions (6):

Labcorp Genetics (formerly Invitae), Labcorp
Classification: Likely benign. Last evaluated: 2025-12-31. Review status: criteria provided, single submitter. Criteria: Invitae Variant Classification Sherloc (09022015). Collection method: clinical testing. Allele origin: germline.

Women's Health and Genetics/Laboratory Corporation of America, LabCorp
Classification: Likely benign. Last evaluated: 2025-12-12. Review status: criteria provided, single submitter. Criteria: LabCorp Variant Classification Summary - May 2015. Collection method: clinical testing. Allele origin: germline.

Blueprint Genetics
Classification: Likely benign. Last evaluated: 2024-10-24. Review status: criteria provided, single submitter. Criteria: ACMG Guidelines, 2015. Collection method: clinical testing. Allele origin: germline.

CeGaT Center for Human Genetics Tuebingen
Classification: Likely benign. Last evaluated: 2023-02-01. Review status: criteria provided, single submitter. Criteria: CeGaT Center For Human Genetics Tuebingen Variant Classification Criteria Version 2. Collection method: clinical testing. Allele origin: germline. Affected: yes. Observed: 4 variant alleles.
Comment: WFS1: BP4, BP7

GeneDx
Classification: Likely benign. Last evaluated: 2020-10-17. Review status: criteria provided, single submitter. Criteria: GeneDx Variant Classification Process June 2021. Collection method: clinical testing. Allele origin: germline. Affected: yes.

Clinical Genomics, Uppaluri K&H Personalized Medicine Clinic
Classification: Benign for Wolfram syndrome 1. Review status: criteria provided, single submitter. Criteria: K & H Uppaluri Personalized Medicine Clinic Variant Classification & Assertion Criteria_Updated V.1. Collection method: research. Allele origin: unknown. Inheritance: Autosomal recessive inheritance.
Comment: Potent mutations in WFS1 gene are associated with Wolfram's syndrome, an autosomal recessive condition, which cause diabetes mellitus, diabetes insipidus, deafness and optic atrophy. However no sufficient evidence is found to ascertain the role of this particular variant rs71524347 in Wolfram's syndrome yet.

Literature cited by the submitters: PubMed 20738327 (cited by Clinical Genomics, Uppaluri K&H Personalized Medicine Clinic); PubMed 33879153 (cited by Clinical Genomics, Uppaluri K&H Personalized Medicine Clinic); PubMed 12955714 (cited by Clinical Genomics, Uppaluri K&H Personalized Medicine Clinic); PubMed 18060660 (cited by Clinical Genomics, Uppaluri K&H Personalized Medicine Clinic); PubMed 20301750 (cited by Clinical Genomics, Uppaluri K&H Personalized Medicine Clinic); PubMed 17603484 (cited by Clinical Genomics, Uppaluri K&H Personalized Medicine Clinic).

NM_006005.3(WFS1):c.471C>T (p.Ser157=)

Gene: WFS1 (wolframin ER transmembrane glycoprotein; plus strand). Cytogenetic location: 4p16.1.
Variant type: single nucleotide variant.
Coding change: c.471C>T on transcript NM_006005.3 (MANE Select); coding-DNA position 471, C replaced by T.
Protein change: p.Ser157=; no amino-acid change (serine 157 retained).
Molecular consequence: synonymous variant.
Genome position (GRCh38, 1-based): chr4:6,291,207, C>T. VCF-style: chr4-6291207-C-T. GRCh37 (hg19) VCF-style: chr4-6292934-C-T.
Other names: c.471C>T, p.Ser157= (NM_001145853.1).
Identifiers: ClinVar variation 513398 (VCV000513398.49), dbSNP rs71524347, ClinGen allele CA2838913.